The following is an entry in ClinVar:

NM_001048174.2(MUTYH):c.353T>C (p.Ile118Thr)

Gene: MUTYH (mutY DNA glycosylase; minus strand). Cytogenetic location: 1p34.1.
Variant type: single nucleotide variant.
Coding change: c.353T>C on transcript NM_001048174.2 (MANE Select); coding-DNA position 353, T replaced by C.
Protein change: p.Ile118Thr; replaces isoleucine 118 with threonine.
Molecular consequence: missense variant. On other transcripts: non-coding transcript variant (1), intron variant (2).
Genome position (GRCh38, 1-based): chr1:45,333,122, A>G on the plus strand (T>C on the coding strand, the complement: MUTYH is on the minus strand). VCF-style: chr1-45333122-A-G. GRCh37 (hg19) VCF-style: chr1-45798794-A-G.
Other names: c.353T>C, p.Ile118Thr (NM_001048171.2, NM_001048173.2, NM_001293195.2 and 6 more transcripts); c.356T>C, p.Ile119Thr (NM_001048172.2, NM_001407071.1, NM_001407078.1 and 2 more transcripts); c.437T>C, p.Ile146Thr (NM_001128425.2); c.398T>C, p.Ile133Thr (NM_001293190.2); c.386T>C, p.Ile129Thr (NM_001293191.2, NM_001407077.1); c.77T>C, p.Ile26Thr (NM_001293192.2, NM_001293196.2, NM_001407091.1); c.428T>C, p.Ile143Thr (NM_001407069.1, NM_012222.3); c.395T>C, p.Ile132Thr (NM_001407073.1, NM_001407083.1, NM_001407085.1); and 3 more; short protein forms I119T, I118T, I133T, I125T, I129T, I132T, I143T, I26T.
Identifiers: ClinVar variation 1740154 (VCV001740154.5), dbSNP rs2524220978, ClinGen allele CA340136118.
Genomic context (GRCh38, chr1:45,333,122, plus strand): 5'-GACCCATGACCCTTCCCTTCCTCCCCTGGAGTCACCTGCATCCATCCGGTATAGTAGTTG[A>G]TCACAGTGGCAACCTGGGTCTGCTGCAGCATGACCTCTGAGACCCACACTGGGGGAAAGG-3'
Protein context (NP_001041639.1, residues 108-128): MLQQTQVATV[Ile118Thr]NYYTGWMQKW

ClinVar aggregate classification (germline): Conflicting classifications of pathogenicity. Review status: criteria provided, conflicting classifications (1 of 4 stars). 2 submissions from 2 submitters: Uncertain significance (1); Likely benign (1). Last evaluated 2025-09-09.

Conditions:
Hereditary cancer-predisposing syndrome. Also called: Hereditary Cancer Syndrome; Hereditary neoplastic syndrome; Neoplastic Syndromes, Hereditary; Tumor predisposition. Identifiers: Orphanet 140162, MedGen C0027672, MeSH D009386, MONDO:0015356.

Submissions (2):

Ambry Genetics
Classification: Likely benign for Hereditary cancer-predisposing syndrome. Last evaluated: 2025-09-09. Review status: criteria provided, single submitter. Criteria: Ambry Variant Classification Scheme 2023. Collection method: clinical testing. Allele origin: germline.

Color Diagnostics, LLC DBA Color Health
Classification: Uncertain significance for Hereditary cancer-predisposing syndrome. Last evaluated: 2024-03-07. Review status: criteria provided, single submitter. Criteria: ACMG Guidelines, 2015. Collection method: clinical testing. Allele origin: germline.
Comment: This missense variant replaces isoleucine with threonine at codon 146 of the MUTYH protein. Computational prediction is inconclusive regarding the impact of this variant on protein structure and function (internally defined REVEL score threshold 0.5 < inconclusive < 0.7, PMID: 27666373). To our knowledge, functional studies have not been reported for this variant. This variant has not been reported in individuals affected with hereditary cancer in the literature. This variant has not been identified in the general population by the Genome Aggregation Database (gnomAD). The available evidence is insufficient to determine the role of this variant in disease conclusively. Therefore, this variant is classified as a Variant of Uncertain Significance.